The following is an entry in ClinVar:

NM_001101362.3(KBTBD13):c.241_242insTCGTGGAGTGCGCCGCCTTCCTCCAGGCGCCGGCGCTGGCGGCGGAGGACGAGCTGCTGCAGG (p.Gln80_Ala81insValValGluCysAlaAlaPheLeuGlnAlaProAlaLeuAlaAlaGluAspGluLeuLeuGln)

Gene: KBTBD13 (kelch repeat and BTB domain containing 13; plus strand). Cytogenetic location: 15q22.31.
Variant type: Insertion.
Coding change: c.241_242insTCGTGGAGTGCGCCGCCTTCCTCCAGGCGCCGGCGCTGGCGGCGGAGGACGAGCTGCTGCAGG on transcript NM_001101362.3 (MANE Select); coding-DNA positions 241 to 242, TCGTGGAGTGCGCCGCCTTCCTCCAGGCGCCGGCGCTGGCGGCGGAGGACGAGCTGCTGCAGG inserted.
Protein change: p.Gln80_Ala81insValValGluCysAlaAlaPheLeuGlnAlaProAlaLeuAlaAlaGluAspGluLeuLeuGln.
Molecular consequence: inframe insertion.
Genome position: GRCh38: chr15:65,077,056-65,077,057. GRCh37 (hg19): chr15:65,369,394-65,369,395.
Identifiers: ClinVar variation 2913907 (VCV002913907.3), dbSNP rs2506305325, ClinGen allele CA2739269501.

ClinVar aggregate classification (germline): Uncertain significance (1 of 4 stars; one submission).

Conditions:
Nemaline myopathy 6 (NEM6). Also called: Nemaline myopathy 6, autosomal dominant. Identifiers: Orphanet 171439, MedGen C1836472, MONDO:0012237, OMIM 609273.

Submission:

Labcorp Genetics (formerly Invitae), Labcorp
Classification: Uncertain significance for Nemaline myopathy 6. Last evaluated: 2025-10-27. Review status: criteria provided, single submitter. Criteria: Invitae Variant Classification Sherloc (09022015). Collection method: clinical testing. Allele origin: germline.
Comment: This variant, c.241_242ins63, results in the insertion of 21 amino acid(s) of the KBTBD13 protein (p.Gln80_Ala81ins21), but otherwise preserves the integrity of the reading frame. This variant is not present in population databases (gnomAD no frequency). This variant has not been reported in the literature in individuals affected with KBTBD13-related conditions. ClinVar contains an entry for this variant (Variation ID: 2913907). Experimental studies and prediction algorithms are not available or were not evaluated, and the functional significance of this variant is currently unknown. In summary, the available evidence is currently insufficient to determine the role of this variant in disease. Therefore, it has been classified as a Variant of Uncertain Significance.